The following is an entry in ClinVar:

ClinVar aggregate classification (germline): Likely benign. Review status: criteria provided, multiple submitters, no conflicts (2 of 4 stars). 2 submissions from 2 submitters: Likely benign (2). Last evaluated 2025-07-29.

Conditions:
Aortic aneurysm, familial thoracic 4 (AAT4). Also called: AORTIC ANEURYSM/AORTIC DISSECTION AND PATENT DUCTUS ARTERIOSUS. Identifiers: MedGen C1851504, MONDO:0007568, OMIM 132900.

Allele frequency attached by ClinVar (database versions not stated): TOPMed below 0.00001; gnomAD 0.00001; gnomAD exomes 0.00001.
gnomAD v4.1: 8 of 1,613,350 alleles (0.0005%); highest among the groups gnomAD compares: East Asian, 0.0022%; no homozygotes.

Submissions (2):

Labcorp Genetics (formerly Invitae), Labcorp
Classification: Likely benign for Aortic aneurysm, familial thoracic 4. Last evaluated: 2025-07-29. Review status: criteria provided, single submitter. Criteria: Invitae Variant Classification Sherloc (09022015). Collection method: clinical testing. Allele origin: germline.

GeneDx
Classification: Likely benign. Last evaluated: 2017-09-28. Review status: criteria provided, single submitter. Criteria: GeneDx Variant Classification (06012015). Collection method: clinical testing. Allele origin: germline. Affected: yes.
Comment: This variant is considered likely benign or benign based on one or more of the following criteria: it is a conservative change, it occurs at a poorly conserved position in the protein, it is predicted to be benign by multiple in silico algorithms, and/or has population frequency not consistent with disease.

NM_002474.3(MYH11):c.503-18T>C

Gene: MYH11 (myosin heavy chain 11; minus strand). Cytogenetic location: 16p13.11.
Variant type: single nucleotide variant.
Coding change: c.503-18T>C on transcript NM_002474.3 (MANE Select); 18 bases into the intron before coding-DNA position 503, T replaced by C.
Molecular consequence: intron variant.
Genome position (GRCh38, 1-based): chr16:15,798,705, A>G on the plus strand (T>C on the coding strand, the complement: MYH11 is on the minus strand). VCF-style: chr16-15798705-A-G. GRCh37 (hg19) VCF-style: chr16-15892562-A-G.
Other names: c.503-18T>C (NM_022844.3, NM_001040114.2, NM_001040113.2).
Identifiers: ClinVar variation 512244 (VCV000512244.2), dbSNP rs993787475, ClinGen allele CA278608307.